The following is an entry in ClinVar:

ClinVar aggregate classification (germline): Conflicting classifications of pathogenicity. Review status: criteria provided, conflicting classifications (1 of 4 stars). 3 submissions from 3 submitters: Uncertain significance (1); Likely benign (1). 1 of the submissions does not count toward it. Last evaluated 2025-08-11.

Conditions:
SLC11A2-related disorder. Also called: SLC11A2-related condition.
Microcytic anemia with liver iron overload. Also called: Anemia, hypochromic microcytic, with iron overload 1. Identifiers: Orphanet 83642, MedGen C3806153, MONDO:0008787, OMIM 206100.

Allele frequency attached by ClinVar (database versions not stated): TOPMed 0.00014.
gnomAD v4.1: 63 of 1,613,884 alleles (0.0039%); highest among the groups gnomAD compares: East Asian, 0.13%; no homozygotes.

Submissions (3):

Labcorp Genetics (formerly Invitae), Labcorp
Classification: Likely benign. Last evaluated: 2025-08-11. Review status: criteria provided, single submitter. Criteria: Invitae Variant Classification Sherloc (09022015). Collection method: clinical testing. Allele origin: germline.

Illumina Laboratory Services, Illumina
Classification: Uncertain significance for Microcytic anemia with liver iron overload. Last evaluated: 2017-04-27. Review status: criteria provided, single submitter. Criteria: ICSL Variant Classification Criteria 13 December 2019. Collection method: clinical testing. Allele origin: germline.

PreventionGenetics, part of Exact Sciences
Classification: Likely benign for SLC11A2-related condition. Last evaluated: 2023-06-08. Review status: no assertion criteria provided. Collection method: clinical testing. Allele origin: germline. Not counted in ClinVar's aggregate classification.
Comment: This variant is classified as likely benign based on ACMG/AMP sequence variant interpretation guidelines (Richards et al. 2015 PMID: 25741868, with internal and published modifications).

NM_000617.3(SLC11A2):c.828C>G (p.Val276=)

Gene: SLC11A2 (solute carrier family 11 member 2; minus strand). Cytogenetic location: 12q13.12.
Variant type: single nucleotide variant.
Coding change: c.828C>G on transcript NM_000617.3 (MANE Select); coding-DNA position 828, C replaced by G.
Protein change: p.Val276=; no amino-acid change (valine 276 retained).
Molecular consequence: synonymous variant. On other transcripts: non-coding transcript variant (10).
Genome position (GRCh38, 1-based): chr12:50,996,820, G>C on the plus strand (C>G on the coding strand, the complement: SLC11A2 is on the minus strand). VCF-style: chr12-50996820-G-C. GRCh37 (hg19) VCF-style: chr12-51390603-G-C.
Other names: c.915C>G, p.Val305= (NM_001174125.2, NM_001379446.1, NM_001379455.1); c.828C>G, p.Val276= (NM_001174126.2, NM_001174127.2, NM_001174128.2 and 5 more transcripts); c.816C>G, p.Val272= (NM_001174130.2, NM_001379448.1); c.717C>G, p.Val239= (NM_001414747.1, NM_001414748.1); c.591C>G, p.Val197= (NM_001414749.1, NM_001414750.1).
Identifiers: ClinVar variation 882847 (VCV000882847.7), dbSNP rs754854640, ClinGen allele CA6566659.
Genomic context (GRCh38, chr12:50,996,820, plus strand): 5'-GAAGGAAAAGATCCCATGAACTGTCTAGGAGGTGAAGGAGATAAGGGCCTTGCTCACCTT[G>C]ACTAAGGCAGAATGCAGGTACATGTTGTGTGGCATGATGACAGCTCCCACGATGCCCACA-3'
Protein context (NP_000608.1, residues 266-286): PHNMYLHSAL[Val276=]KSRQVNRNNK